The following is an entry in ClinVar:

ClinVar aggregate classification (germline): Pathogenic/Likely pathogenic. Review status: criteria provided, multiple submitters, no conflicts (2 of 4 stars). 2 submissions from 2 submitters: Pathogenic (1); Likely pathogenic (1). Last evaluated 2023-05-13.

Conditions:
Pili torti-deafness syndrome (BJS). Also called: Bjornstad syndrome; PILI TORTI AND NERVE DEAFNESS. Identifiers: Orphanet 123, MedGen C0266006, MONDO:0009872, OMIM 262000.

Allele frequency attached by ClinVar (database versions not stated): gnomAD exomes below 0.00001.

Submissions (2):

Baylor Genetics
Classification: Likely pathogenic for Pili torti-deafness syndrome. Last evaluated: 2023-05-13. Review status: criteria provided, single submitter. Criteria: ACMG Guidelines, 2015. Collection method: clinical testing. Allele origin: unknown.

Labcorp Genetics (formerly Invitae), Labcorp
Classification: Pathogenic. Last evaluated: 2019-10-16. Review status: criteria provided, single submitter. Criteria: Invitae Variant Classification Sherloc (09022015). Collection method: clinical testing. Allele origin: germline.
Comment: This sequence change creates a premature translational stop signal (p.Lys94Valfs*2) in the BCS1L gene. It is expected to result in an absent or disrupted protein product. This variant is not present in population databases (ExAC no frequency). This variant has not been reported in the literature in individuals with BCS1L-related conditions. Loss-of-function variants in BCS1L are known to be pathogenic (PMID: 17314340, 25895478). For these reasons, this variant has been classified as Pathogenic.

Literature cited by the submitters: PubMed 17314340 (cited by Labcorp Genetics (formerly Invitae), Labcorp); PubMed 25895478 (cited by Labcorp Genetics (formerly Invitae), Labcorp).

NM_001079866.2(BCS1L):c.280_281del (p.Lys94fs)

Gene: BCS1L (BCS1 homolog, ubiquinol-cytochrome c reductase complex chaperone; plus strand). Cytogenetic location: 2q35.
Variant type: Deletion.
Coding change: c.280_281del on transcript NM_001079866.2 (MANE Select); coding-DNA positions 280 to 281, 2 bases deleted (AA; older notation c.280_281delAA).
Protein change: p.Lys94fs; shifts the reading frame from lysine 94.
Molecular consequence: frameshift variant. On other transcripts: 5 prime UTR variant (5), non-coding transcript variant (1), intron variant (3).
Genome position (GRCh38, 1-based): chr2:218,661,267-218,661,268, AA deleted. VCF-style (leftmost placement, unchanged base first): chr2-218661266-TAA-T. GRCh37 (hg19) VCF-style: chr2-219525989-TAA-T.
Other names: c.-197_-196del (NM_001371454.1, NM_001371455.1, NM_001371456.1 and 2 more transcripts); c.280_281del, p.Lys94fs (NM_001257342.2, NM_001257343.2, NM_001371446.1 and 10 more transcripts); c.-40-139_-40-138del (NM_001371451.1, NM_001318836.2); c.-41-492_-41-491del (NM_001371452.1); short protein forms K94fs.
Identifiers: ClinVar variation 969333 (VCV000969333.4), dbSNP rs1939382793, ClinGen allele CA1139657690.
Genomic context (GRCh38, chr2:218,661,266, plus strand): 5'-TACTCAGCACCTCAGTGTCGAGACTTCGTACCTTCAGCATGAGAGTGGCCGCATTTCCAC[TAA>T]GTTTGAATTTGTCCCCAGCCCTGGAAACCATTTTATCTGGTAAGGTGGGGAGCTAGGGAG-3'